The following is an entry in ClinVar:

ClinVar aggregate classification (germline): Uncertain significance (1 of 4 stars; one submission).

gnomAD v4.1: 2 of 1,613,890 alleles (0.00012%); highest among the groups gnomAD compares: Middle Eastern, 0.033%; no homozygotes.

Submission:

GeneDx
Classification: Uncertain significance. Last evaluated: 2024-01-30. Review status: criteria provided, single submitter. Criteria: GeneDx Variant Classification Process June 2021. Collection method: clinical testing. Allele origin: germline. Affected: yes.
Comment: Not observed at significant frequency in large population cohorts (gnomAD); In silico analysis supports that this missense variant does not alter protein structure/function; Has not been previously published as pathogenic or benign to our knowledge

NM_001378120.1(MBD5):c.1333A>T (p.Met445Leu)

Gene: MBD5 (methyl-CpG binding domain protein 5; plus strand). Cytogenetic location: 2q23.1.
Variant type: single nucleotide variant.
Coding change: c.1333A>T on transcript NM_001378120.1 (MANE Select); coding-DNA position 1333, A replaced by T.
Protein change: p.Met445Leu; replaces methionine 445 with leucine.
Molecular consequence: missense variant.
Genome position (GRCh38, 1-based): chr2:148,469,276, A>T. VCF-style: chr2-148469276-A-T. GRCh37 (hg19) VCF-style: chr2-149226845-A-T.
Other names: c.1333A>T, p.Met445Leu (NM_018328.5); short protein forms M445L.
Identifiers: ClinVar variation 3368414 (VCV003368414.1).